The following is an entry in ClinVar:

ClinVar aggregate classification (germline): Uncertain significance. Review status: criteria provided, single submitter (1 of 4 stars). 2 submissions from 2 submitters: Uncertain significance (1). 1 of the submissions does not count toward it. Last evaluated 2017-10-03.

Conditions:
Autosomal recessive polycystic kidney disease (ARPKD). Also called: AR polycystic kidney disease. Identifiers: Orphanet 731, Orphanet 8378, MedGen C0085548, MeSH D017044, MONDO:0009889.

gnomAD v4.1: 1 of 1,614,096 alleles (0.000062%); highest among the groups gnomAD compares: African/African-American, 0.0013%; no homozygotes.

Submissions (2):

GeneDx
Classification: Uncertain significance. Last evaluated: 2017-10-03. Review status: criteria provided, single submitter. Criteria: GeneDx Variant Classification (06012015). Collection method: clinical testing. Allele origin: germline. Affected: yes.
Comment: The K3195N variant in the PKHD1 gene has not been reported previously as a pathogenic variant, nor as a benign variant, to our knowledge. The K3195N variant is not observed in large population cohorts (Lek et al., 2016). The K3195N variant is a semi-conservative amino acid substitution, which may impact secondary protein structure as these residues differ in some properties. This substitution occurs at a position that is not conserved. In silico analysis predicts this variant likely does not alter the protein structure/function. We interpret K3195N as a variant of uncertain significance.

Natera, Inc.
Classification: Uncertain significance for Autosomal recessive polycystic kidney disease. Last evaluated: 2021-05-17. Review status: no assertion criteria provided. Collection method: clinical testing. Allele origin: germline. Not counted in ClinVar's aggregate classification.

NM_138694.4(PKHD1):c.9585A>C (p.Lys3195Asn)

Gene: PKHD1 (PKHD1 ciliary IPT domain containing fibrocystin/polyductin; minus strand). Cytogenetic location: 6p12.3.
Variant type: single nucleotide variant.
Coding change: c.9585A>C on transcript NM_138694.4 (MANE Select); coding-DNA position 9585, A replaced by C.
Protein change: p.Lys3195Asn; replaces lysine 3195 with asparagine.
Molecular consequence: missense variant.
Genome position (GRCh38, 1-based): chr6:51,748,031, T>G on the plus strand (A>C on the coding strand, the complement: PKHD1 is on the minus strand). VCF-style: chr6-51748031-T-G. GRCh37 (hg19) VCF-style: chr6-51612829-T-G.
Other names: c.9585A>C, p.Lys3195Asn (NM_170724.3); short protein forms K3195N.
Identifiers: ClinVar variation 452256 (VCV000452256.3), dbSNP rs1417442108, ClinGen allele CA364420752.
Genomic context (GRCh38, chr6:51,748,031, plus strand): 5'-AATGCAGTCAAAAGAAGAGCTGGTGGCCACAATGACTGAATTCCTAAGCACAATCTGCAC[T>G]TTTTTGACGGAATTTTGTGGAGCAGAAAATACATACACTACTGCCAAAAGACCAATAGTA-3'
Protein context (NP_619639.3, residues 3185-3205): VFSAPQNSVK[Lys3195Asn]VQIVLRNSVI